The following is an entry in ClinVar:

NM_013372.7(GREM1):c.195C>T (p.Gly65=)

Gene: GREM1 (gremlin 1, DAN family BMP antagonist; plus strand). Cytogenetic location: 15q13.3.
Variant type: single nucleotide variant.
Coding change: c.195C>T on transcript NM_013372.7 (MANE Select); coding-DNA position 195, C replaced by T.
Protein change: p.Gly65=; no amino-acid change (glycine 65 retained).
Molecular consequence: synonymous variant. On other transcripts: intron variant (2).
Genome position (GRCh38, 1-based): chr15:32,730,885, C>T. VCF-style: chr15-32730885-C-T. GRCh37 (hg19) VCF-style: chr15-33023086-C-T.
Other names: c.195C>T, p.Gly65= (NM_001368719.1); c.115-43C>T (NM_001191323.2); c.28-43C>T (NM_001191322.2).
Identifiers: ClinVar variation 2480011 (VCV002480011.4), dbSNP rs754459001, ClinGen allele CA7456128.

ClinVar aggregate classification (germline): Likely benign. Review status: criteria provided, single submitter (1 of 4 stars). 2 submissions from 2 submitters: Likely benign (1). 1 of the submissions does not count toward it. Last evaluated 2022-12-16.

Conditions:
Hereditary cancer-predisposing syndrome. Also called: Neoplastic Syndromes, Hereditary; Hereditary neoplastic syndrome; Tumor predisposition; Hereditary Cancer Syndrome. Identifiers: Orphanet 140162, MedGen C0027672, MeSH D009386, MONDO:0015356.
GREM1-related disorder. Also called: GREM1-related condition.

Allele frequency attached by ClinVar (database versions not stated): ExAC 0.00001; gnomAD 0.00001; gnomAD exomes 0.00001; TOPMed 0.00002.
gnomAD v4.1: 12 of 1,613,238 alleles (0.00074%); highest among the groups gnomAD compares: Admixed American, 0.005%; no homozygotes.

Submissions (2):

Ambry Genetics
Classification: Likely benign for Hereditary cancer-predisposing syndrome. Last evaluated: 2022-12-16. Review status: criteria provided, single submitter. Criteria: Ambry Variant Classification Scheme 2023. Collection method: clinical testing. Allele origin: germline.

PreventionGenetics, part of Exact Sciences
Classification: Likely benign for GREM1-related condition. Last evaluated: 2022-11-21. Review status: no assertion criteria provided. Collection method: clinical testing. Allele origin: germline. Not counted in ClinVar's aggregate classification.
Comment: This variant is classified as likely benign based on ACMG/AMP sequence variant interpretation guidelines (Richards et al. 2015 PMID: 25741868, with internal and published modifications).